The following is an entry in ClinVar:

ClinVar aggregate classification (germline): Benign. Review status: criteria provided, multiple submitters, no conflicts (2 of 4 stars). 4 submissions from 4 submitters: Benign (3). 1 of the submissions does not count toward it. Last evaluated 2019-12-31.

Conditions:
PLXNA3-related disorder. Also called: PLXNA3-related condition.

Allele frequency attached by ClinVar (database versions not stated): gnomAD 0.00805 and 0.00826; gnomAD exomes 0.00939 and 0.01149; 1000 Genomes Project 30x 0.00250; ESP Exome Variant Server 0.00919; 1000 Genomes Project 0.00265; TOPMed 0.00645; ExAC 0.00909.
gnomAD v4.1: 12,778 of 1,155,106 alleles (1.1%); highest among the groups gnomAD compares: Non-Finnish European, 1.3%; 59 homozygotes.

Submissions (4):

Labcorp Genetics (formerly Invitae), Labcorp
Classification: Benign. Last evaluated: 2019-12-31. Review status: criteria provided, single submitter. Criteria: Invitae Variant Classification Sherloc (09022015). Collection method: clinical testing. Allele origin: germline.

GeneDx
Classification: Benign. Last evaluated: 2015-03-03. Review status: criteria provided, single submitter. Criteria: GeneDx Variant Classification Process June 2021. Collection method: clinical testing. Allele origin: germline. Affected: yes.
Comment: This variant is associated with the following publications: (PMID: 24307393)

Breakthrough Genomics
Classification: Benign. Review status: criteria provided, single submitter. Criteria: ACMG Guidelines, 2015. Collection method: not provided. Allele origin: germline. Inheritance: Unknown mechanism. Affected: yes.

PreventionGenetics, part of Exact Sciences
Classification: Benign for PLXNA3-related condition. Last evaluated: 2019-11-19. Review status: no assertion criteria provided. Collection method: clinical testing. Allele origin: germline. Not counted in ClinVar's aggregate classification.
Comment: This variant is classified as benign based on ACMG/AMP sequence variant interpretation guidelines (Richards et al. 2015 PMID: 25741868, with internal and published modifications).

NM_017514.5(PLXNA3):c.1298G>A (p.Arg433His)

Gene: PLXNA3 (plexin A3; plus strand). Cytogenetic location: Xq28.
Variant type: single nucleotide variant.
Coding change: c.1298G>A on transcript NM_017514.5 (MANE Select); coding-DNA position 1298, G replaced by A.
Protein change: p.Arg433His; replaces arginine 433 with histidine.
Molecular consequence: missense variant.
Genome position (GRCh38, 1-based): chrX:154,462,291, G>A. VCF-style: chrX-154462291-G-A. GRCh37 (hg19) VCF-style: chrX-153690631-G-A.
Other names: short protein forms R433H.
Identifiers: ClinVar variation 782075 (VCV000782075.9), dbSNP rs141197316, ClinGen allele CA10563982.